The following is an entry in ClinVar:

ClinVar aggregate classification (germline): Uncertain significance (1 of 4 stars; one submission).

Conditions:
Ataxia-telangiectasia syndrome (AT). Also called: Ataxia-telangiectasia; LOUIS-BAR SYNDROME; Ataxia-telangiectasia, complementation group D; AT, COMPLEMENTATION GROUP C; ATAXIA-TELANGIECTASIA, COMPLEMENTATION GROUP A; ATAXIA-TELANGIECTASIA, FRESNO VARIANT. Identifiers: Orphanet 100, MedGen C0004135, MONDO:0008840, OMIM 208900.

gnomAD v4.1: 1 of 1,613,648 alleles (0.000062%); no homozygotes.

Submission:

Labcorp Genetics (formerly Invitae), Labcorp
Classification: Uncertain significance for Ataxia-telangiectasia syndrome. Last evaluated: 2021-04-22. Review status: criteria provided, single submitter. Criteria: Invitae Variant Classification Sherloc (09022015). Collection method: clinical testing. Allele origin: germline.
Comment: In summary, the available evidence is currently insufficient to determine the role of this variant in disease. Therefore, it has been classified as a Variant of Uncertain Significance. This sequence change replaces isoleucine with methionine at codon 2861 of the ATM protein (p.Ile2861Met). The isoleucine residue is highly conserved and there is a small physicochemical difference between isoleucine and methionine. This variant is not present in population databases (ExAC no frequency). This variant has not been reported in the literature in individuals with ATM-related conditions. Algorithms developed to predict the effect of missense changes on protein structure and function are either unavailable or do not agree on the potential impact of this missense change (SIFT: "Deleterious"; PolyPhen-2: "Probably Damaging"; Align-GVGD: "Class C0").

NM_000051.4(ATM):c.8583T>G (p.Ile2861Met)

Genes: ATM (ATM serine/threonine kinase; plus strand), C11orf65 (chromosome 11 open reading frame 65; minus strand). Cytogenetic location: 11q22.3.
Variant type: single nucleotide variant.
Coding change: c.8583T>G on transcript NM_000051.4 (MANE Select); coding-DNA position 8583, T replaced by G.
Protein change: p.Ile2861Met; replaces isoleucine 2861 with methionine.
Molecular consequence: missense variant. On other transcripts: intron variant (2).
Genome position (GRCh38, 1-based): chr11:108,345,907, T>G. VCF-style: chr11-108345907-T-G. GRCh37 (hg19) VCF-style: chr11-108216634-T-G.
Other names: c.8583T>G, p.Ile2861Met (NM_001351834.2); c.641-36836A>C (NM_001330368.2); c.695-10615A>C (NM_001351110.2); short protein forms I2861M.
Identifiers: ClinVar variation 1347371 (VCV001347371.8), dbSNP rs2137038817, ClinGen allele CA382518793.